The following is an entry in ClinVar:

NM_144631.6(ZNF513):c.571G>A (p.Val191Ile)

Gene: ZNF513 (zinc finger protein 513; minus strand). Cytogenetic location: 2p23.3.
Variant type: single nucleotide variant.
Coding change: c.571G>A on transcript NM_144631.6 (MANE Select); coding-DNA position 571, G replaced by A.
Protein change: p.Val191Ile; replaces valine 191 with isoleucine.
Molecular consequence: missense variant.
Genome position (GRCh38, 1-based): chr2:27,378,695, C>T on the plus strand (G>A on the coding strand, the complement: ZNF513 is on the minus strand). VCF-style: chr2-27378695-C-T. GRCh37 (hg19) VCF-style: chr2-27601562-C-T.
Other names: c.385G>A, p.Val129Ile (NM_001201459.2); short protein forms V191I, V129I.
Identifiers: ClinVar variation 1395226 (VCV001395226.6), dbSNP rs773456178, ClinGen allele CA1578026.

ClinVar aggregate classification (germline): Uncertain significance (1 of 4 stars; one submission).

Allele frequency attached by ClinVar (database versions not stated): ExAC 0.00001; gnomAD exomes 0.00001.

Submission:

Labcorp Genetics (formerly Invitae), Labcorp
Classification: Uncertain significance. Last evaluated: 2025-09-08. Review status: criteria provided, single submitter. Criteria: Invitae Variant Classification Sherloc (09022015). Collection method: clinical testing. Allele origin: germline.
Comment: This sequence change replaces valine, which is neutral and non-polar, with isoleucine, which is neutral and non-polar, at codon 191 of the ZNF513 protein (p.Val191Ile). This variant is present in population databases (rs773456178, gnomAD 0.003%). This variant has not been reported in the literature in individuals affected with ZNF513-related conditions. ClinVar contains an entry for this variant (Variation ID: 1395226). An algorithm developed to predict the effect of missense changes on protein structure and function (PolyPhen-2) suggests that this variant is likely to be tolerated. In summary, the available evidence is currently insufficient to determine the role of this variant in disease. Therefore, it has been classified as a Variant of Uncertain Significance.